The following is an entry in ClinVar:

Conditions:
Breast-ovarian cancer, familial, susceptibility to, 1 (BROVCA1). Also called: BRCA1 Hereditary Breast and Ovarian Cancer; OVARIAN CANCER, SUSCEPTIBILITY TO. Identifiers: Orphanet 145, MedGen C2676676, MONDO:0011450, OMIM 604370. Disease mechanism: loss of function.

Submission:

Brotman Baty Institute, University of Washington
No classification provided (evidence only). Condition: Breast-ovarian cancer, familial 1. Review status: no classification provided. Collection method: in vitro. Allele origin: not applicable. Functional consequence: functionally_normal.
ClinVar note: "not provided" was previously submitted as the classification for the variant. However, the classification appeared to be based only on an observation of functional data so it was converted to no classification on 2025-07-30.

NM_007294.4(BRCA1):c.5277+10C>G

Gene: BRCA1 (BRCA1 DNA repair associated; minus strand). Cytogenetic location: 17q21.31.
Variant type: single nucleotide variant.
Coding change: c.5277+10C>G on transcript NM_007294.4 (MANE Select); 10 bases into the intron after coding-DNA position 5277, C replaced by G.
Molecular consequence: intron variant.
Genome position (GRCh38, 1-based): chr17:43,057,042, G>C on the plus strand (C>G on the coding strand, the complement: BRCA1 is on the minus strand). VCF-style: chr17-43057042-G-C. GRCh37 (hg19) VCF-style: chr17-41209059-G-C.
Other names: c.1824+10C>G (NM_001408458.1, NM_001408461.1, NM_001408464.1 and 7 more transcripts); c.4386+10C>G (NM_001407967.1); c.4896+10C>G (NM_001407959.1); c.5010+10C>G (NM_001407931.1, NM_001407932.1, NM_001407928.1 and 4 more transcripts); c.5133+10C>G (NM_001407747.1, NM_001407745.1, NM_001407737.1 and 21 more transcripts); c.4893+10C>G (NM_001407962.1, NM_001407960.1); c.1464+10C>G (NM_001408512.1); c.1587+10C>G (NM_001408510.1); and 72 more.
Identifiers: ClinVar variation 868259 (VCV000868259.3), dbSNP rs2051493172, ClinGen allele CA916081116.